The following is an entry in ClinVar:

NM_003036.4(SKI):c.1263C>T (p.Leu421=)

Gene: SKI (SKI proto-oncogene; plus strand). Cytogenetic location: 1p36.32.
Variant type: single nucleotide variant.
Coding change: c.1263C>T on transcript NM_003036.4 (MANE Select); coding-DNA position 1263, C replaced by T.
Protein change: p.Leu421=; no amino-acid change (leucine 421 retained).
Molecular consequence: synonymous variant.
Genome position (GRCh38, 1-based): chr1:2,303,891, C>T. VCF-style: chr1-2303891-C-T. GRCh37 (hg19) VCF-style: chr1-2235330-C-T.
Identifiers: ClinVar variation 263904 (VCV000263904.47), dbSNP rs773045410, ClinGen allele CA536651.

ClinVar aggregate classification (germline): Likely benign. Review status: criteria provided, multiple submitters, no conflicts (2 of 4 stars). 5 submissions from 5 submitters: Likely benign (5). Last evaluated 2026-01-18.

Conditions:
Familial thoracic aortic aneurysm and aortic dissection (TAAD). Also called: Thoracic aortic aneurysms and dissections. Identifiers: Orphanet 91387, MedGen C4707243, MONDO:0019625.
Shprintzen-Goldberg syndrome (SGS). Also called: CRANIOSYNOSTOSIS WITH ARACHNODACTYLY AND ABDOMINAL HERNIAS; Marfanoid disorder with craniosynostosis type 1; Marfanoid craniosynostosis syndrome; Shprintzen-Goldberg marfanoid syndrome; SHPRINTZEN-GOLDBERG CRANIOSYNOSTOSIS SYNDROME. Identifiers: Orphanet 2462, MedGen C1321551, MONDO:0008426, OMIM 182212.

Allele frequency attached by ClinVar (database versions not stated): TOPMed 0.00004; gnomAD 0.00005; gnomAD exomes 0.00008 and 0.00010; ExAC 0.00013.
gnomAD v4.1: 156 of 1,612,190 alleles (0.0097%); highest among the groups gnomAD compares: Middle Eastern, 0.049%; no homozygotes.

Submissions (5):

Labcorp Genetics (formerly Invitae), Labcorp
Classification: Likely benign for Shprintzen-Goldberg syndrome. Last evaluated: 2026-01-18. Review status: criteria provided, single submitter. Criteria: Invitae Variant Classification Sherloc (09022015). Collection method: clinical testing. Allele origin: germline.

CeGaT Center for Human Genetics Tuebingen
Classification: Likely benign. Last evaluated: 2024-07-01. Review status: criteria provided, single submitter. Criteria: CeGaT Center For Human Genetics Tuebingen Variant Classification Criteria Version 2. Collection method: clinical testing. Allele origin: germline. Affected: yes. Observed: 3 variant alleles.
Comment: SKI: BP4, BP7

Blueprint Genetics
Classification: Likely benign. Last evaluated: 2023-09-04. Review status: criteria provided, single submitter. Criteria: ACMG Guidelines, 2015. Collection method: clinical testing. Allele origin: germline.

GeneDx
Classification: Likely benign. Last evaluated: 2019-07-02. Review status: criteria provided, single submitter. Criteria: GeneDx Variant Classification Process June 2021. Collection method: clinical testing. Allele origin: germline. Affected: yes.

Ambry Genetics
Classification: Likely benign for Familial thoracic aortic aneurysm and aortic dissection. Last evaluated: 2015-02-04. Review status: criteria provided, single submitter. Criteria: Ambry Variant Classification Scheme 2023. Collection method: clinical testing. Allele origin: germline.